The following is an entry in ClinVar:

NM_181712.5(KANK4):c.1340A>G (p.His447Arg)

Gene: KANK4 (KN motif and ankyrin repeat domains 4; minus strand). Cytogenetic location: 1p31.3.
Variant type: single nucleotide variant.
Coding change: c.1340A>G on transcript NM_181712.5 (MANE Select); coding-DNA position 1340, A replaced by G.
Protein change: p.His447Arg; replaces histidine 447 with arginine.
Molecular consequence: missense variant. On other transcripts: intron variant (1).
Genome position (GRCh38, 1-based): chr1:62,273,764, T>C on the plus strand (A>G on the coding strand, the complement: KANK4 is on the minus strand). VCF-style: chr1-62273764-T-C. GRCh37 (hg19) VCF-style: chr1-62739436-T-C.
Other names: c.17-2175A>G (NM_001320269.2); short protein forms H447R.
Identifiers: ClinVar variation 3344732 (VCV003344732.1).

ClinVar aggregate classification (germline): Uncertain significance (0 of 4 stars; one submission).

Conditions:
KANK4-related disorder. Also called: KANK4-related condition.

gnomAD v4.1: 3 of 1,613,940 alleles (0.00019%); highest among the groups gnomAD compares: Admixed American, 0.0017%; no homozygotes.

Submission:

PreventionGenetics, part of Exact Sciences
Classification: Uncertain significance for KANK4-related condition. Last evaluated: 2024-09-12. Review status: no assertion criteria provided. Collection method: clinical testing. Allele origin: germline.
Comment: The KANK4 c.1340A>G variant is predicted to result in the amino acid substitution p.His447Arg. To our knowledge, this variant has not been reported in the literature or in a large population database, indicating this variant is rare. At this time, the clinical significance of this variant is uncertain due to the absence of conclusive functional and genetic evidence.